The following is an entry in ClinVar:

ClinVar aggregate classification (germline): Uncertain significance (1 of 4 stars; one submission).

Allele frequency attached by ClinVar (database versions not stated): gnomAD exomes below 0.00001.
gnomAD v4.1: 1 of 1,613,760 alleles (0.000062%); no homozygotes.

Submission:

Centre of Medical Genetics, University Hospital Muenster
Classification: Uncertain significance. Last evaluated: 2021-12-21. Review status: criteria provided, single submitter. Criteria: ACMG Guidelines, 2015. Collection method: clinical testing. Allele origin: unknown. Affected: yes. Observed: 1 variant allele, 1 heterozygote.
Comment: ACMG categories: PM1,PP3

NM_001318852.2(MAPK8IP3):c.1406C>G (p.Ala469Gly)

Gene: MAPK8IP3 (mitogen-activated protein kinase 8 interacting protein 3; plus strand). Cytogenetic location: 16p13.3.
Variant type: single nucleotide variant.
Coding change: c.1406C>G on transcript NM_001318852.2 (MANE Select); coding-DNA position 1406, C replaced by G.
Protein change: p.Ala469Gly; replaces alanine 469 with glycine.
Molecular consequence: missense variant.
Genome position (GRCh38, 1-based): chr16:1,760,481, C>G. VCF-style: chr16-1760481-C-G. GRCh37 (hg19) VCF-style: chr16-1810482-C-G.
Other names: c.1385C>G, p.Ala462Gly (NM_001040439.2); c.1403C>G, p.Ala468Gly (NM_015133.5, NM_033392.3); short protein forms A462G, A468G, A469G.
Identifiers: ClinVar variation 1708314 (VCV001708314.3), dbSNP rs530465918, ClinGen allele CA394231393.